The following is an entry in ClinVar:

NM_004849.4(ATG5):c.366A>T (p.Glu122Asp)

Gene: ATG5 (autophagy related 5; minus strand). Cytogenetic location: 6q21.
Variant type: single nucleotide variant.
Coding change: c.366A>T on transcript NM_004849.4 (MANE Select); coding-DNA position 366, A replaced by T.
Protein change: p.Glu122Asp; replaces glutamic acid 122 with aspartic acid.
Molecular consequence: missense variant. On other transcripts: non-coding transcript variant (2), intron variant (1).
Genome position (GRCh38, 1-based): chr6:106,279,773, T>A on the plus strand (A>T on the coding strand, the complement: ATG5 is on the minus strand). VCF-style: chr6-106279773-T-A. GRCh37 (hg19) VCF-style: chr6-106727648-T-A.
Other names: c.366A>T, p.Glu122Asp (NM_001286106.2, NM_001286108.2); c.132A>T, p.Glu44Asp (NM_001286107.2); c.109-31529A>T (NM_001286111.2); short protein forms E122D, E44D.
Identifiers: ClinVar variation 430932 (VCV000430932.2), dbSNP rs1131692265, ClinGen allele CA365319959.

ClinVar aggregate classification (germline): no classifications from unflagged records (0 of 4 stars; one submission).

Conditions:
Spinocerebellar ataxia, autosomal recessive 25. Identifiers: MedGen C4539808, MONDO:0033115, OMIM 617584.

Submission:

OMIM
Classification: Pathogenic for SPINOCEREBELLAR ATAXIA, AUTOSOMAL RECESSIVE 25 (1 family). Last evaluated: 2005-02-01. Review status: flagged submission. Collection method: literature only. Allele origin: germline.
ClinVar note: Notes: Flagging candidate with reason of insufficient supporting evidence. This gene has been classified as having a limited gene-disease relationship by a ClinGen Expert Panel.
ClinVar note: Reason: P/LP classification for a variant in a gene with insufficient evidence for a gene-disease relationship

Literature cited by the submitters: PubMed 26812546; PubMed 15981765.